The following is an entry in ClinVar:

ClinVar aggregate classification (germline): Uncertain significance (1 of 4 stars; one submission).

Conditions:
Hereditary cancer-predisposing syndrome. Also called: Hereditary neoplastic syndrome; Tumor predisposition; Hereditary Cancer Syndrome; Neoplastic Syndromes, Hereditary. Identifiers: Orphanet 140162, MedGen C0027672, MeSH D009386, MONDO:0015356.

Allele frequency attached by ClinVar (database versions not stated): ExAC 0.00001.

Submission:

Ambry Genetics
Classification: Uncertain significance for Hereditary cancer-predisposing syndrome. Last evaluated: 2025-09-12. Review status: criteria provided, single submitter. Criteria: Ambry Variant Classification Scheme 2023. Collection method: clinical testing. Allele origin: germline.
Comment: The p.M362I variant (also known as c.1086G>T), located in coding exon 4 of the AXIN2 gene, results from a G to T substitution at nucleotide position 1086. The methionine at codon 362 is replaced by isoleucine, an amino acid with highly similar properties. This amino acid position is conserved. In addition, the in silico prediction for this alteration is inconclusive. Since supporting evidence is limited at this time, the clinical significance of this alteration remains unclear.

NM_004655.4(AXIN2):c.1086G>T (p.Met362Ile)

Gene: AXIN2 (axin 2; minus strand). Cytogenetic location: 17q24.1.
Variant type: single nucleotide variant.
Coding change: c.1086G>T on transcript NM_004655.4 (MANE Select); coding-DNA position 1086, G replaced by T.
Protein change: p.Met362Ile; replaces methionine 362 with isoleucine.
Molecular consequence: missense variant.
Genome position (GRCh38, 1-based): chr17:65,538,317, C>A on the plus strand (G>T on the coding strand, the complement: AXIN2 is on the minus strand). VCF-style: chr17-65538317-C-A. GRCh37 (hg19) VCF-style: chr17-63534435-C-A.
Other names: c.1086G>T, p.Met362Ile (NM_001363813.1); short protein forms M362I.
Identifiers: ClinVar variation 2586372 (VCV002586372.3), dbSNP rs750414544, ClinGen allele CA8718863.